The following is an entry in ClinVar:

ClinVar aggregate classification (germline): Pathogenic (0 of 4 stars; one submission).

Conditions:
Fanconi anemia complementation group A (FANCA). Also called: Fanconi anemia, group A; FANCA-Related Fanconi Anemia. Identifiers: Orphanet 84, MedGen C3469521, MONDO:0009215, OMIM 227650.

Submission:

Leiden Open Variation Database
Classification: Pathogenic for Fanconi anemia complementation group A. Last evaluated: 2020-02-28. Review status: no assertion criteria provided. Collection method: curation. Allele origin: germline. Affected: yes.
Comment: Curator: Arleen D. Auerbach. Submitter to LOVD: Arleen D. Auerbach.

Literature cited by the submitters: PubMed 25168418.

NC_000016.10:g.89809185_89816657del

Genes: FANCA (FA complementation group A; minus strand), LOC112486223 (Sharpr-MPRA regulatory region 3988; plus strand), LOC130059839 (ATAC-STARR-seq lymphoblastoid silent region 7925; plus strand). Cytogenetic location: 16q24.3.
Variant type: Deletion.
Genome position: GRCh38: chr16:89,809,185-89,816,657. GRCh37 (hg19): chr16:89,875,593-89,883,065.
Identifiers: ClinVar variation 974074 (VCV000974074.2), ClinGen allele CA1139664982.